The following is an entry in ClinVar:

ClinVar aggregate classification (germline): Uncertain significance (1 of 4 stars; one submission).

Submission:

CeGaT Center for Human Genetics Tuebingen
Classification: Uncertain significance. Last evaluated: 2025-03-01. Review status: criteria provided, single submitter. Criteria: CeGaT Center For Human Genetics Tuebingen Variant Classification Criteria Version 2. Collection method: clinical testing. Allele origin: germline. Affected: yes. Observed: 1 variant allele.
Comment: SETD2: PM2, PP2, PP3

NM_014159.7(SETD2):c.7646A>G (p.Gln2549Arg)

Gene: SETD2 (SET domain containing 2, histone lysine methyltransferase; minus strand). Cytogenetic location: 3p21.31.
Variant type: single nucleotide variant.
Coding change: c.7646A>G on transcript NM_014159.7 (MANE Select); coding-DNA position 7646, A replaced by G.
Protein change: p.Gln2549Arg; replaces glutamine 2549 with arginine.
Molecular consequence: missense variant. On other transcripts: non-coding transcript variant (1).
Genome position (GRCh38, 1-based): chr3:47,017,142, T>C on the plus strand (A>G on the coding strand, the complement: SETD2 is on the minus strand). VCF-style: chr3-47017142-T-C. GRCh37 (hg19) VCF-style: chr3-47058632-T-C.
Other names: c.7514A>G, p.Gln2505Arg (NM_001349370.3); short protein forms Q2505R, Q2549R.
Identifiers: ClinVar variation 3778091 (VCV003778091.7).
Genomic context (GRCh38, chr3:47,017,142, plus strand): 5'-TGGCCCAACAGTCACTCTAATTCAGTGTCCTCTTTGGGTTTGTAAACAGCCCCAAACTTC[T>C]GCATGTACTTCTTAATGTACTCCTTGGTTTTGTGTTTCACATTCTCATTGCACTCCAGGT-3'
Protein context (NP_054878.5, residues 2539-2559): KTKEYIKKYM[Gln2549Arg]KFGAVYKPKE